The following is an entry in ClinVar:

ClinVar aggregate classification (germline): Uncertain significance (1 of 4 stars; one submission).

Conditions:
Hereditary sensory and autonomic neuropathy type 1 (HSAN1). Also called: HSAN 1; HSN Type I; Hereditary Sensory Neuropathy Type I. Identifiers: Orphanet 36386, MedGen C0020071, MONDO:0018213.

Allele frequency attached by ClinVar (database versions not stated): gnomAD exomes 0.00001.
gnomAD v4.1: 6 of 1,612,844 alleles (0.00037%); highest among the groups gnomAD compares: African/African-American, 0.0013%; no homozygotes.

Submission:

Labcorp Genetics (formerly Invitae), Labcorp
Classification: Uncertain significance for Hereditary sensory and autonomic neuropathy type 1. Last evaluated: 2023-03-11. Review status: criteria provided, single submitter. Criteria: Invitae Variant Classification Sherloc (09022015). Collection method: clinical testing. Allele origin: germline.
Comment: An algorithm developed to predict the effect of missense changes on protein structure and function (PolyPhen-2) suggests that this variant is likely to be tolerated. In summary, the available evidence is currently insufficient to determine the role of this variant in disease. Therefore, it has been classified as a Variant of Uncertain Significance. This variant has not been reported in the literature in individuals affected with SPTLC1-related conditions. This variant is present in population databases (no rsID available, gnomAD 0.002%). This sequence change replaces isoleucine, which is neutral and non-polar, with valine, which is neutral and non-polar, at codon 362 of the SPTLC1 protein (p.Ile362Val).

NM_006415.4(SPTLC1):c.1084A>G (p.Ile362Val)

Gene: SPTLC1 (serine palmitoyltransferase long chain base subunit 1; minus strand). Cytogenetic location: 9q22.31.
Variant type: single nucleotide variant.
Coding change: c.1084A>G on transcript NM_006415.4 (MANE Select); coding-DNA position 1084, A replaced by G.
Protein change: p.Ile362Val; replaces isoleucine 362 with valine.
Molecular consequence: missense variant.
Genome position (GRCh38, 1-based): chr9:92,046,051, T>C on the plus strand (A>G on the coding strand, the complement: SPTLC1 is on the minus strand). VCF-style: chr9-92046051-T-C. GRCh37 (hg19) VCF-style: chr9-94808333-T-C.
Other names: c.1084A>G, p.Ile362Val (NM_001281303.2); c.718A>G, p.Ile240Val (NM_001368272.1); c.619A>G, p.Ile207Val (NM_001368273.1); short protein forms I240V, I207V, I362V.
Identifiers: ClinVar variation 2729589 (VCV002729589.3), dbSNP rs1282838680, ClinGen allele CA373792253.
Genomic context (GRCh38, chr9:92,046,051, plus strand): 5'-AAACTCACCCTTGTAAAGCTTTATGAATTTGTCCGCACTTTTCCTTCAACACTGCAAAAA[T>C]ACCTAGATGAAAAAAATACGTTTGAGAGTCTATTTGAAACTTATGATAGTACTAACCTAA-3'
Protein context (NP_006406.1, residues 352-372): ALNIMEENPG[Ile362Val]FAVLKEKCGQ